The following is an entry in ClinVar:

ClinVar aggregate classification (germline): Uncertain significance (1 of 4 stars; one submission).

Conditions:
SLC35A2-congenital disorder of glycosylation. Also called: EPILEPTIC ENCEPHALOPATHY, EARLY INFANTILE, 22; DEVELOPMENTAL AND EPILEPTIC ENCEPHALOPATHY 22; CONGENITAL DISORDER OF GLYCOSYLATION, TYPE IIm; CDG IIm; CONGENITAL DISORDER OF GLYCOSYLATION, TYPE IIm, SOMATIC MOSAIC; SLC35A2-CDG. Identifiers: Orphanet 356961, MedGen C3806688, MONDO:0010478, OMIM 300896.

Submission:

Labcorp Genetics (formerly Invitae), Labcorp
Classification: Uncertain significance for SLC35A2-congenital disorder of glycosylation. Last evaluated: 2025-02-12. Review status: criteria provided, single submitter. Criteria: Invitae Variant Classification Sherloc (09022015). Collection method: clinical testing. Allele origin: germline.
Comment: This sequence change replaces histidine, which is basic and polar, with arginine, which is basic and polar, at codon 102 of the SLC35A2 protein (p.His102Arg). This variant is present in population databases (no rsID available, gnomAD 0.02%). This variant has not been reported in the literature in individuals affected with SLC35A2-related conditions. Invitae Evidence Modeling of protein sequence and biophysical properties (such as structural, functional, and spatial information, amino acid conservation, physicochemical variation, residue mobility, and thermodynamic stability) indicates that this missense variant is not expected to disrupt SLC35A2 protein function with a negative predictive value of 80%. In summary, the available evidence is currently insufficient to determine the role of this variant in disease. Therefore, it has been classified as a Variant of Uncertain Significance.

NM_005660.3(SLC35A2):c.305A>G (p.His102Arg)

Gene: SLC35A2 (solute carrier family 35 member A2; minus strand). Cytogenetic location: Xp11.23.
Variant type: single nucleotide variant.
Coding change: c.305A>G on transcript NM_005660.3 (MANE Select); coding-DNA position 305, A replaced by G.
Protein change: p.His102Arg; replaces histidine 102 with arginine.
Molecular consequence: missense variant.
Genome position (GRCh38, 1-based): chrX:48,906,513, T>C on the plus strand (A>G on the coding strand, the complement: SLC35A2 is on the minus strand). VCF-style: chrX-48906513-T-C. GRCh37 (hg19) VCF-style: chrX-48763790-T-C.
Other names: c.305A>G, p.His102Arg (NM_001032289.3, NM_001042498.3, NM_001282647.2); c.233A>G, p.His78Arg (NM_001282648.2); c.122A>G, p.His41Arg (NM_001282649.2); c.344A>G, p.His115Arg (NM_001282650.2); c.389A>G, p.His130Arg (NM_001282651.2); short protein forms H102R, H115R, H130R, H41R, H78R.
Identifiers: ClinVar variation 4809388 (VCV004809388.1).
Genomic context (GRCh38, chrX:48,906,513, plus strand): 5'-TAGATGAGAGAGGGCACTGCGAGCTTGAGCGTGTCCACATACTGCACCAGGACAGCCTCA[T>C]GGAGGAAGAGAACCAGGTGCTTCACGTTACCTAGGTGGGAGGAGGAGAGCCCTTCTTAGC-3'
Protein context (NP_005651.1, residues 92-112): GNVKHLVLFL[His102Arg]EAVLVQYVDT